The following is an entry in ClinVar:

NM_001903.5(CTNNA1):c.1236T>A (p.Asn412Lys)

Gene: CTNNA1 (catenin alpha 1; plus strand). Cytogenetic location: 5q31.2.
Variant type: single nucleotide variant.
Coding change: c.1236T>A on transcript NM_001903.5 (MANE Select); coding-DNA position 1236, T replaced by A.
Protein change: p.Asn412Lys; replaces asparagine 412 with lysine.
Molecular consequence: missense variant. On other transcripts: 5 prime UTR variant (5), intron variant (2).
Genome position (GRCh38, 1-based): chr5:138,887,582, T>A. VCF-style: chr5-138887582-T-A. GRCh37 (hg19) VCF-style: chr5-138223271-T-A.
Other names: c.1236T>A (NM_001903.2); c.1236T>A, p.Asn412Lys (NM_001290307.3, NM_001323982.2, NM_001323983.1 and 3 more transcripts); c.927T>A, p.Asn309Lys (NM_001290309.3); c.867T>A, p.Asn289Lys (NM_001290310.3); c.126T>A, p.Asn42Lys (NM_001290312.1, NM_001323987.1, NM_001323988.1 and 18 more transcripts); c.-272T>A (NM_001324006.1, NM_001324007.1, NM_001324008.1 and 1 more transcripts); c.-147T>A (NM_001324013.1); c.-58+11985T>A (NM_001324012.1); and 1 more; short protein forms N309K, N289K, N412K, N42K.
Identifiers: ClinVar variation 1386009 (VCV001386009.7), dbSNP rs1754350112, ClinGen allele CA361133135.

ClinVar aggregate classification (germline): Uncertain significance. Review status: criteria provided, multiple submitters, no conflicts (2 of 4 stars). 2 submissions from 2 submitters: Uncertain significance (2). Last evaluated 2024-07-22.

Conditions:
Hereditary cancer-predisposing syndrome. Also called: Neoplastic Syndromes, Hereditary; Tumor predisposition; Hereditary neoplastic syndrome; Hereditary Cancer Syndrome. Identifiers: Orphanet 140162, MedGen C0027672, MeSH D009386, MONDO:0015356.

Allele frequency attached by ClinVar (database versions not stated): TOPMed below 0.00001.

Submissions (2):

Labcorp Genetics (formerly Invitae), Labcorp
Classification: Uncertain significance. Last evaluated: 2024-07-22. Review status: criteria provided, single submitter. Criteria: Invitae Variant Classification Sherloc (09022015). Collection method: clinical testing. Allele origin: germline.
Comment: This sequence change replaces asparagine, which is neutral and polar, with lysine, which is basic and polar, at codon 412 of the CTNNA1 protein (p.Asn412Lys). This variant is not present in population databases (gnomAD no frequency). This variant has not been reported in the literature in individuals affected with CTNNA1-related conditions. ClinVar contains an entry for this variant (Variation ID: 1386009). Advanced modeling of protein sequence and biophysical properties (such as structural, functional, and spatial information, amino acid conservation, physicochemical variation, residue mobility, and thermodynamic stability) performed at Invitae indicates that this missense variant is not expected to disrupt CTNNA1 protein function with a negative predictive value of 80%. In summary, the available evidence is currently insufficient to determine the role of this variant in disease. Therefore, it has been classified as a Variant of Uncertain Significance.

Ambry Genetics
Classification: Uncertain significance for Hereditary cancer-predisposing syndrome. Last evaluated: 2022-12-09. Review status: criteria provided, single submitter. Criteria: Ambry Variant Classification Scheme 2023. Collection method: clinical testing. Allele origin: germline.
Comment: The p.N412K variant (also known as c.1236T>A), located in coding exon 8 of the CTNNA1 gene, results from a T to A substitution at nucleotide position 1236. The asparagine at codon 412 is replaced by lysine, an amino acid with similar properties. This amino acid position is conserved. In addition, this alteration is predicted to be tolerated by in silico analysis. Since supporting evidence is limited at this time, the clinical significance of this alteration remains unclear.